The following is an entry in ClinVar:

NM_001903.5(CTNNA1):c.26_27del (p.Ile9fs)

Gene: CTNNA1 (catenin alpha 1; plus strand). Cytogenetic location: 5q31.2.
Variant type: Deletion.
Coding change: c.26_27del on transcript NM_001903.5 (MANE Select); coding-DNA positions 26 to 27, 2 bases deleted (TA; older notation c.26_27delTA).
Protein change: p.Ile9fs; shifts the reading frame from isoleucine 9.
Molecular consequence: frameshift variant. On other transcripts: 5 prime UTR variant (2).
Genome position (GRCh38, 1-based): chr5:138,781,950-138,781,951, TA deleted; deleting any 2 consecutive bases within chr5:138,781,949-138,781,951 gives the same sequence; the c. name uses the placement nearest the transcript's 3' end. VCF-style (leftmost placement, unchanged base first): chr5-138781948-CAT-C. GRCh37 (hg19) VCF-style: chr5-138117637-CAT-C.
Other names: c.26_27del, p.Ile9fs (NM_001290307.3, NM_001323982.2, NM_001323983.1 and 3 more transcripts); c.-88_-87del (NM_001290309.3); c.-181_-180del (NM_001290310.3); short protein forms I9fs.
Identifiers: ClinVar variation 3721227 (VCV003721227.2).

ClinVar aggregate classification (germline): Pathogenic (1 of 4 stars; one submission).

Submission:

Labcorp Genetics (formerly Invitae), Labcorp
Classification: Pathogenic. Last evaluated: 2024-09-23. Review status: criteria provided, single submitter. Criteria: Invitae Variant Classification Sherloc (09022015). Collection method: clinical testing. Allele origin: germline.
Comment: This sequence change creates a premature translational stop signal (p.Ile9Lysfs*7) in the CTNNA1 gene. It is expected to result in an absent or disrupted protein product. Loss-of-function variants in CTNNA1 are known to be pathogenic (PMID: 32051609, 34425242). This variant is not present in population databases (gnomAD no frequency). This variant has not been reported in the literature in individuals affected with CTNNA1-related conditions. For these reasons, this variant has been classified as Pathogenic.

Literature cited by the submitters: PubMed 32051609; PubMed 34425242.